The following is an entry in ClinVar:

ClinVar aggregate classification (germline): Benign/Likely benign. Review status: criteria provided, multiple submitters, no conflicts (2 of 4 stars). 6 submissions from 6 submitters: Benign (1); Likely benign (4). 1 of the submissions does not count toward it. Last evaluated 2026-06-05.

Conditions:
KIT-related disorder. Also called: KIT-related condition.
Hereditary cancer-predisposing syndrome. Also called: Neoplastic Syndromes, Hereditary; Hereditary Cancer Syndrome; Hereditary neoplastic syndrome; Tumor predisposition. Identifiers: Orphanet 140162, MedGen C0027672, MeSH D009386, MONDO:0015356.
Gastrointestinal stromal tumor. Also called: Gastrointestinal stromal tumor, somatic; Gastrointestinal stroma tumor. Identifiers: Orphanet 44890, MedGen C0238198, MeSH D046152, MONDO:0011719, OMIM 606764, HP:0100723.

Allele frequency attached by ClinVar (database versions not stated): ExAC 0.00001; gnomAD 0.00001; gnomAD exomes 0.00002; TOPMed 0.00002.
gnomAD v4.1: 12 of 1,613,970 alleles (0.00074%); highest among the groups gnomAD compares: Admixed American, 0.015%; no homozygotes.

Submissions (6):

Myriad Genetics, Inc.
Classification: Benign for Gastrointestinal stromal tumor. Last evaluated: 2026-06-05. Review status: criteria provided, single submitter. Criteria: Myriad Autosomal Dominant, Autosomal Recessive and X-Linked Classification Criteria (2023). Collection method: clinical testing. Allele origin: unknown.
Comment: This variant is considered benign. This variant is a silent/synonymous amino acid change and it is not expected to impact splicing.

Labcorp Genetics (formerly Invitae), Labcorp
Classification: Likely benign for Gastrointestinal stromal tumor. Last evaluated: 2026-02-04. Review status: criteria provided, single submitter. Criteria: Invitae Variant Classification Sherloc (09022015). Collection method: clinical testing. Allele origin: germline.

Blueprint Genetics
Classification: Likely benign. Last evaluated: 2024-05-31. Review status: criteria provided, single submitter. Criteria: ACMG Guidelines, 2015. Collection method: clinical testing. Allele origin: germline.

KCCC/NGS Laboratory, Kuwait Cancer Control Center
Classification: Likely benign for Gastrointestinal stromal tumor. Last evaluated: 2023-07-07. Review status: criteria provided, single submitter. Criteria: ACMG Guidelines, 2015. Collection method: clinical testing. Allele origin: germline. Affected: yes.

Ambry Genetics
Classification: Likely benign for Hereditary cancer-predisposing syndrome. Last evaluated: 2022-03-07. Review status: criteria provided, single submitter. Criteria: Ambry Variant Classification Scheme 2023. Collection method: clinical testing. Allele origin: germline.

PreventionGenetics, part of Exact Sciences
Classification: Likely benign for KIT-related condition. Last evaluated: 2024-08-17. Review status: no assertion criteria provided. Collection method: clinical testing. Allele origin: germline. Not counted in ClinVar's aggregate classification.
Comment: This variant is classified as likely benign based on ACMG/AMP sequence variant interpretation guidelines (Richards et al. 2015 PMID: 25741868, with internal and published modifications).

NM_000222.3(KIT):c.2889C>T (p.Thr963=)

Gene: KIT (KIT proto-oncogene, receptor tyrosine kinase; plus strand). Cytogenetic location: 4q12.
Variant type: single nucleotide variant.
Coding change: c.2889C>T on transcript NM_000222.3 (MANE Select); coding-DNA position 2889, C replaced by T.
Protein change: p.Thr963=; no amino-acid change (threonine 963 retained).
Molecular consequence: synonymous variant.
Genome position (GRCh38, 1-based): chr4:54,738,515, C>T. VCF-style: chr4-54738515-C-T. GRCh37 (hg19) VCF-style: chr4-55604681-C-T.
Other names: c.2877C>T, p.Thr959= (NM_001093772.2, NM_001385292.1); c.2892C>T, p.Thr964= (NM_001385284.1); c.2886C>T, p.Thr962= (NM_001385285.1); c.2874C>T, p.Thr958= (NM_001385286.1); c.2880C>T, p.Thr960= (NM_001385288.1); c.2889C>T, p.Thr963= (NM_001385290.1).
Identifiers: ClinVar variation 458934 (VCV000458934.18), dbSNP rs200275681, ClinGen allele CA2923892.